The following is an entry in ClinVar:

NM_000130.5(F5):c.3364C>T (p.Pro1122Ser)

Gene: F5 (coagulation factor V; minus strand). Cytogenetic location: 1q24.2.
Variant type: single nucleotide variant.
Coding change: c.3364C>T on transcript NM_000130.5 (MANE Select); coding-DNA position 3364, C replaced by T.
Protein change: p.Pro1122Ser; replaces proline 1122 with serine.
Molecular consequence: missense variant.
Genome position (GRCh38, 1-based): chr1:169,541,726, G>A on the plus strand (C>T on the coding strand, the complement: F5 is on the minus strand). VCF-style: chr1-169541726-G-A. GRCh37 (hg19) VCF-style: chr1-169510964-G-A.
Other names: short protein forms P1122S.
Identifiers: ClinVar variation 1730643 (VCV001730643.4), dbSNP rs185270765, ClinGen allele CA1233927.
Genomic context (GRCh38, chr1:169,541,726, plus strand): 5'-AAGTAGAGTGCATTTGATCAGGGTCTTGAATGGGGAATGTTTGATAGTGTTCCTCTGGGG[G>A]CACTGTCTGATAAAGACCTGGAGGACAGCTTGCCTGACCAGTGTCATTTGAGGAATTCTG-3'
Protein context (NP_000121.2, residues 1112-1132): SCPPGLYQTV[Pro1122Ser]PEEHYQTFPI

ClinVar aggregate classification (germline): Conflicting classifications of pathogenicity. Review status: criteria provided, conflicting classifications (1 of 4 stars). 2 submissions from 2 submitters: Uncertain significance (1); Likely benign (1). Last evaluated 2024-09-11.

Conditions:
Inborn genetic diseases. Identifiers: MedGen C0950123, MeSH D030342.

Allele frequency attached by ClinVar (database versions not stated): ExAC 0.00007; gnomAD 0.00007; gnomAD exomes 0.00007; TOPMed 0.00011; 1000 Genomes Project 30x 0.00016; 1000 Genomes Project 0.00020.
gnomAD v4.1: 113 of 1,613,940 alleles (0.007%); highest among the groups gnomAD compares: Admixed American, 0.068%; no homozygotes.

Submissions (2):

Ambry Genetics
Classification: Uncertain significance for Inborn genetic diseases. Last evaluated: 2024-09-11. Review status: criteria provided, single submitter. Criteria: Ambry Variant Classification Scheme 2023. Collection method: clinical testing. Allele origin: germline.
Comment: The p.P1122S variant (also known as c.3364C>T), located in coding exon 13 of the F5 gene, results from a C to T substitution at nucleotide position 3364. The proline at codon 1122 is replaced by serine, an amino acid with similar properties. This amino acid position is conserved. In addition, this alteration is predicted to be tolerated by in silico analysis. Since supporting evidence is limited at this time, the clinical significance of this alteration remains unclear.

Blueprint Genetics
Classification: Likely benign. Last evaluated: 2022-11-11. Review status: criteria provided, single submitter. Criteria: ACMG Guidelines, 2015. Collection method: clinical testing. Allele origin: germline.